The following is an entry in ClinVar:

NM_005733.3(KIF20A):c.554C>T (p.Ala185Val)

Gene: KIF20A (kinesin family member 20A; plus strand). Cytogenetic location: 5q31.2.
Variant type: single nucleotide variant.
Coding change: c.554C>T on transcript NM_005733.3 (MANE Select); coding-DNA position 554, C replaced by T.
Protein change: p.Ala185Val; replaces alanine 185 with valine.
Molecular consequence: missense variant.
Genome position (GRCh38, 1-based): chr5:138,182,625, C>T. VCF-style: chr5-138182625-C-T. GRCh37 (hg19) VCF-style: chr5-137518314-C-T.
Other names: short protein forms A185V.
Identifiers: ClinVar variation 2893094 (VCV002893094.3), dbSNP rs374271585, ClinGen allele CA361113386.

ClinVar aggregate classification (germline): Uncertain significance (1 of 4 stars; one submission).

gnomAD v4.1: 19 of 1,614,072 alleles (0.0012%); highest among the groups gnomAD compares: East Asian, 0.0022%; no homozygotes.

Submission:

Labcorp Genetics (formerly Invitae), Labcorp
Classification: Uncertain significance. Last evaluated: 2022-12-16. Review status: criteria provided, single submitter. Criteria: Invitae Variant Classification Sherloc (09022015). Collection method: clinical testing. Allele origin: germline.
Comment: In summary, the available evidence is currently insufficient to determine the role of this variant in disease. Therefore, it has been classified as a Variant of Uncertain Significance. Algorithms developed to predict the effect of missense changes on protein structure and function are either unavailable or do not agree on the potential impact of this missense change (SIFT: "Deleterious"; PolyPhen-2: "Benign"; Align-GVGD: "Class C55"). This variant has not been reported in the literature in individuals affected with KIF20A-related conditions. This variant is present in population databases (no rsID available, gnomAD 0.06%). This sequence change replaces alanine, which is neutral and non-polar, with valine, which is neutral and non-polar, at codon 185 of the KIF20A protein (p.Ala185Val).